The following is an entry in ClinVar:

NM_004656.4(BAP1):c.1422G>A (p.Pro474=)

Gene: BAP1 (BRCA1 associated deubiquitinase 1; minus strand). Cytogenetic location: 3p21.1.
Variant type: single nucleotide variant.
Coding change: c.1422G>A on transcript NM_004656.4 (MANE Select); coding-DNA position 1422, G replaced by A.
Protein change: p.Pro474=; no amino-acid change (proline 474 retained).
Molecular consequence: synonymous variant.
Genome position (GRCh38, 1-based): chr3:52,403,723, C>T on the plus strand (G>A on the coding strand, the complement: BAP1 is on the minus strand). VCF-style: chr3-52403723-C-T. GRCh37 (hg19) VCF-style: chr3-52437739-C-T.
Identifiers: ClinVar variation 417290 (VCV000417290.16), dbSNP rs199888129, ClinGen allele CA2436806.

ClinVar aggregate classification (germline): Benign/Likely benign. Review status: criteria provided, multiple submitters, no conflicts (2 of 4 stars). 4 submissions from 4 submitters: Benign (1); Likely benign (3). Last evaluated 2025-12-16.

Conditions:
BAP1-related tumor predisposition syndrome (TPDS1). Also called: BAP1 tumor predisposition syndrome; Tumor susceptibility linked to germline BAP1 mutations; COMMON Syndrome; TUMOR PREDISPOSITION SYNDROME 1. Identifiers: Orphanet 289539, MedGen C3280492, MONDO:0013692, OMIM 614327.
Hereditary cancer-predisposing syndrome. Also called: Tumor predisposition; Neoplastic Syndromes, Hereditary; Hereditary neoplastic syndrome; Hereditary Cancer Syndrome. Identifiers: Orphanet 140162, MedGen C0027672, MeSH D009386, MONDO:0015356.

Allele frequency attached by ClinVar (database versions not stated): gnomAD exomes 0.00001 and 0.00002; ExAC 0.00002; gnomAD 0.00002 and 0.00005; TOPMed 0.00005; 1000 Genomes Project 0.00040; 1000 Genomes Project 30x 0.00047.
gnomAD v4.1: 32 of 1,614,012 alleles (0.002%); highest among the groups gnomAD compares: African/African-American, 0.0067%; no homozygotes.

Submissions (4):

Labcorp Genetics (formerly Invitae), Labcorp
Classification: Likely benign for BAP1-related tumor predisposition syndrome. Last evaluated: 2025-12-16. Review status: criteria provided, single submitter. Criteria: Invitae Variant Classification Sherloc (09022015). Collection method: clinical testing. Allele origin: germline.

Myriad Genetics, Inc.
Classification: Benign for BAP1-related tumor predisposition syndrome. Last evaluated: 2024-07-16. Review status: criteria provided, single submitter. Criteria: Myriad Autosomal Dominant, Autosomal Recessive and X-Linked Classification Criteria (2023). Collection method: clinical testing. Allele origin: unknown.
Comment: This variant is considered benign. This variant is a silent/synonymous amino acid change and it is not expected to impact splicing.

Ambry Genetics
Classification: Likely benign for Hereditary cancer-predisposing syndrome. Last evaluated: 2020-01-09. Review status: criteria provided, single submitter. Criteria: Ambry Variant Classification Scheme 2023. Collection method: clinical testing. Allele origin: germline.

Color Diagnostics, LLC DBA Color Health
Classification: Likely benign for Hereditary cancer-predisposing syndrome. Last evaluated: 2017-08-17. Review status: criteria provided, single submitter. Criteria: ACMG Guidelines, 2015. Collection method: clinical testing. Allele origin: germline.